The following is an entry in ClinVar:

NM_001267550.2(TTN):c.74814T>A (p.Ser24938Arg)

Genes: TTN (titin; minus strand), TTN-AS1 (TTN antisense RNA 1; plus strand). Cytogenetic location: 2q31.2.
Variant type: single nucleotide variant.
Coding change: c.74814T>A on transcript NM_001267550.2 (MANE Select); coding-DNA position 74814, T replaced by A.
Protein change: p.Ser24938Arg; replaces serine 24938 with arginine.
Molecular consequence: missense variant. On other transcripts: non-coding transcript variant (1).
Genome position (GRCh38, 1-based): chr2:178,571,318, A>T on the plus strand (T>A on the coding strand, the complement: TTN is on the minus strand). VCF-style: chr2-178571318-A-T. GRCh37 (hg19) VCF-style: chr2-179436045-A-T.
Other names: c.69891T>A, p.Ser23297Arg (NM_001256850.1); c.47619T>A, p.Ser15873Arg (NM_003319.4); c.67110T>A, p.Ser22370Arg (NM_133378.4); c.47994T>A, p.Ser15998Arg (NM_133432.3); c.48195T>A, p.Ser16065Arg (NM_133437.4); short protein forms S24938R, S15873R, S22370R, S15998R, S16065R, S23297R.
Identifiers: ClinVar variation 535253 (VCV000535253.11), dbSNP rs747593205, ClinGen allele CA1990144.

ClinVar aggregate classification (germline): Uncertain significance. Review status: criteria provided, multiple submitters, no conflicts (2 of 4 stars). 6 submissions from 6 submitters: Uncertain significance (6). Last evaluated 2023-10-23.

Conditions:
Cardiovascular phenotype. Identifiers: MedGen CN230736.
Autosomal recessive limb-girdle muscular dystrophy type 2J (LGMDR10). Also called: Limb-girdle muscular dystrophy, type 2J; MUSCULAR DYSTROPHY, LIMB-GIRDLE, AUTOSOMAL RECESSIVE 10. Identifiers: Orphanet 140922, MedGen C1837342, MONDO:0012127, OMIM 608807.
Dilated cardiomyopathy 1G (CMD1G). Identifiers: Orphanet 154, MedGen C1858763, MONDO:0011400, OMIM 604145.
Hypertrophic cardiomyopathy 9. Also called: Familial hypertrophic cardiomyopathy 9. Identifiers: MedGen C1861065, MONDO:0013412, OMIM 613765.
Tibial muscular dystrophy (TMD). Also called: UDD MYOPATHY; Udd Distal Myopathy – Tibial Muscular Dystrophy; Tibial muscular dystrophy, tardive. Identifiers: Orphanet 609, MedGen C1838244, MONDO:0010870, OMIM 600334.
Early-onset myopathy with fatal cardiomyopathy (CMYO5). Also called: CONGENITAL MYOPATHY 5 WITH CARDIOMYOPATHY; Salih Myopathy. Identifiers: Orphanet 289377, MedGen C2673677, MONDO:0012714, OMIM 611705. Disease mechanism: loss of function.
Myopathy, myofibrillar, 9, with early respiratory failure (MFM9). Also called: EDSTROM MYOPATHY; MYOPATHY, PROXIMAL, WITH EARLY RESPIRATORY MUSCLE INVOLVEMENT; Hereditary myopathy with early respiratory failure; Myopathy, distal, with early respiratory failure, autosomal dominant. Identifiers: Orphanet 178464, Orphanet 34521, MedGen C1863599, MONDO:0011362, OMIM 603689.

Allele frequency attached by ClinVar (database versions not stated): ExAC 0.00001; gnomAD exomes 0.00001; gnomAD 0.00002 and 0.00003; TOPMed 0.00002.
gnomAD v4.1: 16 of 1,613,366 alleles (0.00099%); highest among the groups gnomAD compares: African/African-American, 0.0013%; no homozygotes.

Submissions (6):

Women's Health and Genetics/Laboratory Corporation of America, LabCorp
Classification: Uncertain significance. Last evaluated: 2023-10-23. Review status: criteria provided, single submitter. Criteria: LabCorp Variant Classification Summary - May 2015. Collection method: clinical testing. Allele origin: germline.

Revvity Omics, Revvity
Classification: Uncertain significance. Last evaluated: 2023-09-12. Review status: criteria provided, single submitter. Criteria: ACMG Guidelines, 2015. Collection method: clinical testing. Allele origin: germline.

Fulgent Genetics
Classification: Uncertain significance for Tibial muscular dystrophy; Myopathy, myofibrillar, 9, with early respiratory failure; Dilated cardiomyopathy 1G; Autosomal recessive limb-girdle muscular dystrophy type 2J; Early-onset myopathy with fatal cardiomyopathy; Hypertrophic cardiomyopathy 9. Last evaluated: 2021-07-20. Review status: criteria provided, single submitter. Criteria: ACMG Guidelines, 2015. Collection method: clinical testing. Allele origin: unknown.

Ambry Genetics
Classification: Uncertain significance for Cardiovascular phenotype. Last evaluated: 2019-08-02. Review status: criteria provided, single submitter. Criteria: Ambry Variant Classification Scheme 2023. Collection method: clinical testing. Allele origin: germline.
Comment: The p.S15873R variant (also known as c.47619T>A), located in coding exon 153 of the TTN gene, results from a T to A substitution at nucleotide position 47619. The serine at codon 15873 is replaced by arginine, an amino acid with dissimilar properties. This amino acid position is highly conserved in available vertebrate species. In addition, this alteration is predicted to be tolerated by in silico analysis. Since supporting evidence is limited at this time, the clinical significance of this alteration remains unclear.

Athena Diagnostics
Classification: Uncertain significance. Last evaluated: 2018-09-19. Review status: criteria provided, single submitter. Criteria: Athena Diagnostics Criteria. Collection method: clinical testing. Allele origin: germline.

Labcorp Genetics (formerly Invitae), Labcorp
Classification: Uncertain significance for Dilated cardiomyopathy 1G; Autosomal recessive limb-girdle muscular dystrophy type 2J. Last evaluated: 2017-11-27. Review status: criteria provided, single submitter. Criteria: Invitae Variant Classification Sherloc (09022015). Collection method: clinical testing. Allele origin: germline.